The following is an entry in ClinVar:

NM_014956.5(CEP164):c.3435G>A (p.Ala1145=)

Gene: CEP164 (centrosomal protein 164; plus strand). Cytogenetic location: 11q23.3.
Variant type: single nucleotide variant.
Coding change: c.3435G>A on transcript NM_014956.5 (MANE Select); coding-DNA position 3435, G replaced by A.
Protein change: p.Ala1145=; no amino-acid change (alanine 1145 retained).
Molecular consequence: synonymous variant.
Genome position (GRCh38, 1-based): chr11:117,397,247, G>A. VCF-style: chr11-117397247-G-A. GRCh37 (hg19) VCF-style: chr11-117267963-G-A.
Other names: c.3444G>A, p.Ala1148= (NM_001271933.2); c.3435G>A (NM_014956.4).
Identifiers: ClinVar variation 1112455 (VCV001112455.13), dbSNP rs149964584, ClinGen allele CA6295452.

ClinVar aggregate classification (germline): Likely benign. Review status: criteria provided, multiple submitters, no conflicts (2 of 4 stars). 4 submissions from 4 submitters: Likely benign (3). 1 of the submissions does not count toward it. Last evaluated 2025-12-30.

Conditions:
CEP164-related disorder. Also called: CEP164-related condition.
Nephronophthisis 15 (NPHP15). Identifiers: Orphanet 3156, MedGen C3541853, MONDO:0013917, OMIM 614845.

Allele frequency attached by ClinVar (database versions not stated): TOPMed 0.00015; 1000 Genomes Project 30x 0.00016; 1000 Genomes Project 0.00020; ExAC 0.00024; gnomAD exomes 0.00029.

Submissions (4):

Labcorp Genetics (formerly Invitae), Labcorp
Classification: Likely benign for Nephronophthisis 15. Last evaluated: 2025-12-30. Review status: criteria provided, single submitter. Criteria: Invitae Variant Classification Sherloc (09022015). Collection method: clinical testing. Allele origin: germline.

Blueprint Genetics
Classification: Likely benign. Last evaluated: 2024-06-11. Review status: criteria provided, single submitter. Criteria: ACMG Guidelines, 2015. Collection method: clinical testing. Allele origin: germline.

Fulgent Genetics
Classification: Likely benign for Nephronophthisis 15. Last evaluated: 2021-11-05. Review status: criteria provided, single submitter. Criteria: ACMG Guidelines, 2015. Collection method: clinical testing. Allele origin: unknown.

PreventionGenetics, part of Exact Sciences
Classification: Likely benign for CEP164-related condition. Last evaluated: 2022-12-22. Review status: no assertion criteria provided. Collection method: clinical testing. Allele origin: germline. Not counted in ClinVar's aggregate classification.
Comment: This variant is classified as likely benign based on ACMG/AMP sequence variant interpretation guidelines (Richards et al. 2015 PMID: 25741868, with internal and published modifications).